The following is an entry in ClinVar:

NM_000426.4(LAMA2):c.2843G>A (p.Cys948Tyr)

Gene: LAMA2 (laminin subunit alpha 2; plus strand). Cytogenetic location: 6q22.33.
Variant type: single nucleotide variant.
Coding change: c.2843G>A on transcript NM_000426.4 (MANE Select); coding-DNA position 2843, G replaced by A.
Protein change: p.Cys948Tyr; replaces cysteine 948 with tyrosine.
Molecular consequence: missense variant.
Genome position (GRCh38, 1-based): chr6:129,291,707, G>A. VCF-style: chr6-129291707-G-A. GRCh37 (hg19) VCF-style: chr6-129612852-G-A.
Other names: c.2843G>A, p.Cys948Tyr (NM_001079823.2); short protein forms C948Y.
Identifiers: ClinVar variation 2114663 (VCV002114663.4), dbSNP rs2114432718, ClinGen allele CA365610861.

ClinVar aggregate classification (germline): Uncertain significance (1 of 4 stars; one submission).

Conditions:
LAMA2-related muscular dystrophy (LAMA2-RD). Also called: Laminin alpha 2-related dystrophy. Identifiers: MedGen C5679788, MONDO:0100228.

Allele frequency attached by ClinVar (database versions not stated): gnomAD exomes below 0.00001.
gnomAD v4.1: 1 of 1,612,090 alleles (0.000062%); highest among the groups gnomAD compares: Non-Finnish European, 0.000085%; no homozygotes.

Submission:

Labcorp Genetics (formerly Invitae), Labcorp
Classification: Uncertain significance for LAMA2-related muscular dystrophy. Last evaluated: 2022-07-11. Review status: criteria provided, single submitter. Criteria: Invitae Variant Classification Sherloc (09022015). Collection method: clinical testing. Allele origin: germline.
Comment: This sequence change replaces cysteine, which is neutral and slightly polar, with tyrosine, which is neutral and polar, at codon 948 of the LAMA2 protein (p.Cys948Tyr). This variant is not present in population databases (gnomAD no frequency). In summary, the available evidence is currently insufficient to determine the role of this variant in disease. Therefore, it has been classified as a Variant of Uncertain Significance. Algorithms developed to predict the effect of missense changes on protein structure and function are either unavailable or do not agree on the potential impact of this missense change (SIFT: "Deleterious"; PolyPhen-2: "Probably Damaging"; Align-GVGD: "Class C0"). This variant has not been reported in the literature in individuals affected with LAMA2-related conditions.